The following is an entry in ClinVar:

ClinVar aggregate classification (germline): Uncertain significance (1 of 4 stars; one submission).

Conditions:
Glycogen storage disease type III (GSD3). Also called: FORBES DISEASE; Cori disease. Identifiers: Orphanet 366, MedGen C0017922, MONDO:0009291, OMIM 232400.

Allele frequency attached by ClinVar (database versions not stated): gnomAD exomes below 0.00001.
gnomAD v4.1: 2 of 1,613,454 alleles (0.00012%); highest among the groups gnomAD compares: Non-Finnish European, 0.00017%; no homozygotes.

Submission:

Labcorp Genetics (formerly Invitae), Labcorp
Classification: Uncertain significance for Glycogen storage disease type III. Last evaluated: 2022-07-26. Review status: criteria provided, single submitter. Criteria: Invitae Variant Classification Sherloc (09022015). Collection method: clinical testing. Allele origin: germline.
Comment: This sequence change replaces glycine, which is neutral and non-polar, with valine, which is neutral and non-polar, at codon 572 of the AGL protein (p.Gly572Val). This variant is not present in population databases (gnomAD no frequency). This variant has not been reported in the literature in individuals affected with AGL-related conditions. ClinVar contains an entry for this variant (Variation ID: 835025). Algorithms developed to predict the effect of missense changes on protein structure and function are either unavailable or do not agree on the potential impact of this missense change (SIFT: "Deleterious"; PolyPhen-2: "Probably Damaging"; Align-GVGD: "Class C0"). In summary, the available evidence is currently insufficient to determine the role of this variant in disease. Therefore, it has been classified as a Variant of Uncertain Significance.

NM_000642.3(AGL):c.1715G>T (p.Gly572Val)

Gene: AGL (amylo-alpha-1,6-glucosidase and 4-alpha-glucanotransferase; plus strand). Cytogenetic location: 1p21.2.
Variant type: single nucleotide variant.
Coding change: c.1715G>T on transcript NM_000642.3 (MANE Select); coding-DNA position 1715, G replaced by T.
Protein change: p.Gly572Val; replaces glycine 572 with valine.
Molecular consequence: missense variant.
Genome position (GRCh38, 1-based): chr1:99,880,026, G>T. VCF-style: chr1-99880026-G-T. GRCh37 (hg19) VCF-style: chr1-100345582-G-T.
Other names: c.1715G>T, p.Gly572Val (NM_000644.3, NM_001425325.1, NM_001425326.1 and 2 more transcripts); c.1667G>T, p.Gly556Val (NM_000646.3); c.1514G>T, p.Gly505Val (NM_001425327.1); c.1511G>T, p.Gly504Val (NM_001425328.1, NM_001425329.1); c.1337G>T, p.Gly446Val (NM_001425332.1); short protein forms G556V, G572V, G446V, G504V, G505V.
Identifiers: ClinVar variation 835025 (VCV000835025.11), dbSNP rs1651880309, ClinGen allele CA341315859.